The following is an entry in ClinVar:

ClinVar aggregate classification (germline): Uncertain significance (1 of 4 stars; one submission).

Allele frequency attached by ClinVar (database versions not stated): gnomAD exomes below 0.00001; ExAC 0.00002; gnomAD 0.00004; TOPMed 0.00004.
gnomAD v4.1: 8 of 1,542,324 alleles (0.00052%); highest among the groups gnomAD compares: African/African-American, 0.0097%; no homozygotes.

Submission:

Labcorp Genetics (formerly Invitae), Labcorp
Classification: Uncertain significance. Last evaluated: 2025-04-22. Review status: criteria provided, single submitter. Criteria: Invitae Variant Classification Sherloc (09022015). Collection method: clinical testing. Allele origin: germline.
Comment: This sequence change falls in intron 4 of the KIF2A gene. It does not directly change the encoded amino acid sequence of the KIF2A protein. It affects a nucleotide within the consensus splice site. The frequency data for this variant in the population databases is considered unreliable, as metrics indicate poor data quality at this position in the gnomAD database. This variant has not been reported in the literature in individuals affected with KIF2A-related conditions. ClinVar contains an entry for this variant (Variation ID: 1931831). Variants that disrupt the consensus splice site are a relatively common cause of aberrant splicing (PMID: 17576681, 9536098). Algorithms developed to predict the effect of sequence changes on RNA splicing suggest that this variant is not likely to affect RNA splicing. In summary, the available evidence is currently insufficient to determine the role of this variant in disease. Therefore, it has been classified as a Variant of Uncertain Significance.

Literature cited by the submitters: PubMed 17576681; PubMed 9536098.

NM_001098511.3(KIF2A):c.334+6G>A

Gene: KIF2A (kinesin family member 2A; plus strand). Cytogenetic location: 5q12.1.
Variant type: single nucleotide variant.
Coding change: c.334+6G>A on transcript NM_001098511.3 (MANE Select); 6 bases into the intron after coding-DNA position 334, G replaced by A.
Molecular consequence: intron variant.
Genome position (GRCh38, 1-based): chr5:62,350,126, G>A. VCF-style: chr5-62350126-G-A. GRCh37 (hg19) VCF-style: chr5-61645953-G-A.
Other names: c.253+6G>A (NM_001243952.2); c.334+6G>A (NM_004520.5, NM_001243953.2).
Identifiers: ClinVar variation 1931831 (VCV001931831.5), dbSNP rs761806997, ClinGen allele CA3278754.
Genomic context (GRCh38, chr5:62,350,126, plus strand): 5'-AATCGACGGACTGTAGCTTCTATTAAGAATGACCCTCCTTCAAGAGATAATAGAGGTAAA[G>A]TAAAAATTTATCTCTTAATTTTGGCTATTGACTTCTTAGTATGTTCCTGACAAGGTAAAT-3'